The following is an entry in ClinVar:

ClinVar aggregate classification (germline): Conflicting classifications of pathogenicity. Review status: criteria provided, conflicting classifications (1 of 4 stars). 5 submissions from 5 submitters: Uncertain significance (1); Benign (3); Likely benign (1). Last evaluated 2026-01-19.

Conditions:
Chronic kidney disease. Identifiers: MedGen C1561643, MONDO:0005300, HP:0012622.

Allele frequency attached by ClinVar (database versions not stated): 1000 Genomes Project 30x 0.00047; 1000 Genomes Project 0.00060; TOPMed 0.00167; gnomAD 0.00218; ESP Exome Variant Server 0.00231; gnomAD exomes 0.00292.
gnomAD v4.1: 4,368 of 1,613,746 alleles (0.27%); highest among the groups gnomAD compares: Non-Finnish European, 0.31%; 10 homozygotes.

Submissions (5):

Labcorp Genetics (formerly Invitae), Labcorp
Classification: Benign. Last evaluated: 2026-01-19. Review status: criteria provided, single submitter. Criteria: Invitae Variant Classification Sherloc (09022015). Collection method: clinical testing. Allele origin: germline.

CeGaT Center for Human Genetics Tuebingen
Classification: Benign. Last evaluated: 2026-01-01. Review status: criteria provided, single submitter. Criteria: CeGaT Center For Human Genetics Tuebingen Variant Classification Criteria Version 2. Collection method: clinical testing. Allele origin: germline. Affected: yes. Observed: 2 variant alleles.
Comment: FN1: BS1, BS2

Blueprint Genetics
Classification: Likely benign. Last evaluated: 2024-11-05. Review status: criteria provided, single submitter. Criteria: ACMG Guidelines, 2015. Collection method: clinical testing. Allele origin: germline.

GeneDx
Classification: Benign. Last evaluated: 2021-01-15. Review status: criteria provided, single submitter. Criteria: GeneDx Variant Classification Process June 2021. Collection method: clinical testing. Allele origin: germline. Affected: yes.

Cavalleri Lab, Royal College of Surgeons in Ireland
Classification: Uncertain significance for Chronic kidney disease. Last evaluated: 2020-05-28. Review status: criteria provided, single submitter. Criteria: ACMG Guidelines, 2015. Collection method: research. Allele origin: unknown. Inheritance: Autosomal dominant inheritance. Affected: yes.
Comment: PP2, PP3, BS1

NM_212482.4(FN1):c.1775G>A (p.Arg592His)

Gene: FN1 (fibronectin 1; minus strand). Cytogenetic location: 2q35.
Variant type: single nucleotide variant.
Coding change: c.1775G>A on transcript NM_212482.4 (MANE Select); coding-DNA position 1775, G replaced by A.
Protein change: p.Arg592His; replaces arginine 592 with histidine.
Molecular consequence: missense variant.
Genome position (GRCh38, 1-based): chr2:215,419,286, C>T on the plus strand (G>A on the coding strand, the complement: FN1 is on the minus strand). VCF-style: chr2-215419286-C-T. GRCh37 (hg19) VCF-style: chr2-216284009-C-T.
Other names: c.1775G>A (NM_212482.1); c.1775G>A, p.Arg592His (NM_001306129.2, NM_001306130.2, NM_001306131.2 and 14 more transcripts); short protein forms R592H.
Identifiers: ClinVar variation 790514 (VCV000790514.38), dbSNP rs147831535, ClinGen allele CA2095173.